The following is an entry in ClinVar:

ClinVar aggregate classification (germline): Likely pathogenic (1 of 4 stars; one submission).

Submission:

Dasa
Classification: Likely pathogenic. Last evaluated: 2025-11-19. Review status: criteria provided, single submitter. Criteria: DASA Assertion Criteria. Collection method: clinical testing. Allele origin: germline.
Comment: NM_001372.4(DNAH9):c.310del (p.Leu104Phefs*30) is a frameshift variant in DNAH9 predicted to alter the reading frame and introduce a premature termination codon and is predicted to result in an absent or altered protein product. Loss of function is an established disease mechanism for DNAH9-associated disorders. Also, this variant is rare in population databases. Based on the currently available evidence, this variant is classified as likely pathogenic.

NM_001372.4(DNAH9):c.310del (p.Leu104fs)

Gene: DNAH9 (dynein axonemal heavy chain 9; plus strand). Cytogenetic location: 17p12.
Variant type: Deletion.
Coding change: c.310del on transcript NM_001372.4 (MANE Select); coding-DNA position 310, one base deleted (C; older notation c.310delC).
Protein change: p.Leu104fs; shifts the reading frame from leucine 104.
Molecular consequence: frameshift variant.
Genome position (GRCh38, 1-based): chr17:11,598,808, C deleted; the last of 2 consecutive C bases (chr17:11,598,807-11,598,808); deleting either gives the same sequence. VCF-style (leftmost placement, unchanged base first): chr17-11598806-TC-T. GRCh37 (hg19) VCF-style: chr17-11502123-TC-T.
Other names: short protein forms L104fs.
Identifiers: ClinVar variation 4886510 (VCV004886510.2).